The following is an entry in ClinVar:

ClinVar aggregate classification (germline): Uncertain significance. Review status: criteria provided, multiple submitters, no conflicts (2 of 4 stars). 2 submissions from 2 submitters: Uncertain significance (2). Last evaluated 2025-03-20.

Allele frequency attached by ClinVar (database versions not stated): TOPMed 0.00001.
gnomAD v4.1: 5 of 1,613,710 alleles (0.00031%); highest among the groups gnomAD compares: Non-Finnish European, 0.000085%; no homozygotes.

Submissions (2):

Ambry Genetics
Classification: Uncertain significance. Last evaluated: 2025-03-20. Review status: criteria provided, single submitter. Criteria: Ambry Variant Classification Scheme 2023. Collection method: clinical testing. Allele origin: germline.

Labcorp Genetics (formerly Invitae), Labcorp
Classification: Uncertain significance. Last evaluated: 2022-06-15. Review status: criteria provided, single submitter. Criteria: Invitae Variant Classification Sherloc (09022015). Collection method: clinical testing. Allele origin: germline.
Comment: This sequence change replaces serine, which is neutral and polar, with arginine, which is basic and polar, at codon 112 of the DNAJC17 protein (p.Ser112Arg). This variant is present in population databases (no rsID available, gnomAD 0.0009%). This variant has not been reported in the literature in individuals affected with DNAJC17-related conditions. Algorithms developed to predict the effect of missense changes on protein structure and function (SIFT, PolyPhen-2, Align-GVGD) all suggest that this variant is likely to be tolerated. In summary, the available evidence is currently insufficient to determine the role of this variant in disease. Therefore, it has been classified as a Variant of Uncertain Significance.

NM_018163.3(DNAJC17):c.334A>C (p.Ser112Arg)

Gene: DNAJC17 (DnaJ heat shock protein family (Hsp40) member C17; minus strand). Cytogenetic location: 15q15.1.
Variant type: single nucleotide variant.
Coding change: c.334A>C on transcript NM_018163.3 (MANE Select); coding-DNA position 334, A replaced by C.
Protein change: p.Ser112Arg; replaces serine 112 with arginine.
Molecular consequence: missense variant.
Genome position (GRCh38, 1-based): chr15:40,776,589, T>G on the plus strand (A>C on the coding strand, the complement: DNAJC17 is on the minus strand). VCF-style: chr15-40776589-T-G. GRCh37 (hg19) VCF-style: chr15-41068787-T-G.
Other names: c.334A>C (NM_018163.2); short protein forms S112R.
Identifiers: ClinVar variation 1918140 (VCV001918140.8), dbSNP rs930503318, ClinGen allele CA268856683.